The following is an entry in ClinVar:

NM_020117.11(LARS1):c.1292T>A (p.Val431Asp)

Gene: LARS1 (leucyl-tRNA synthetase 1; minus strand). Cytogenetic location: 5q32.
Variant type: single nucleotide variant.
Coding change: c.1292T>A on transcript NM_020117.11 (MANE Select); coding-DNA position 1292, T replaced by A.
Protein change: p.Val431Asp; replaces valine 431 with aspartic acid.
Molecular consequence: missense variant.
Genome position (GRCh38, 1-based): chr5:146,151,995, A>T on the plus strand (T>A on the coding strand, the complement: LARS1 is on the minus strand). VCF-style: chr5-146151995-A-T. GRCh37 (hg19) VCF-style: chr5-145531558-A-T.
Other names: c.1292T>A (NM_020117.10); c.1154T>A, p.Val385Asp (NM_001317964.2); c.1130T>A, p.Val377Asp (NM_001317965.2); c.1211T>A, p.Val404Asp (NM_016460.4); short protein forms V431D, V377D, V385D, V404D.
Identifiers: ClinVar variation 431849 (VCV000431849.71), dbSNP rs150429680, ClinGen allele CA3489653.

ClinVar aggregate classification (germline): Conflicting classifications of pathogenicity. Review status: criteria provided, conflicting classifications (1 of 4 stars). 16 submissions from 16 submitters: Pathogenic (4); Likely pathogenic (7); Uncertain significance (5). Last evaluated 2025-12-15.

Conditions:
LARS1-related disorder. Also called: LARS1-related condition.
Acute infantile liver failure due to synthesis defect of mtDNA-encoded proteins. Also called: Liver failure acute infantile; TRMU Deficiency; LIVER FAILURE, INFANTILE, TRANSIENT. Identifiers: Orphanet 217371, MedGen C3278664, MONDO:0013111, OMIM 613070.
LARS-related disorders.
Infantile liver failure syndrome 1 (ILFS1). Identifiers: Orphanet 370088, MedGen C3809522, MONDO:0024568, OMIM 615438.

Allele frequency attached by ClinVar (database versions not stated): ExAC 0.00038; gnomAD 0.00041; ESP Exome Variant Server 0.00046; TOPMed 0.00049; 1000 Genomes Project 0.00060; 1000 Genomes Project 30x 0.00062.
gnomAD v4.1: 1,098 of 1,613,958 alleles (0.068%); highest among the groups gnomAD compares: Non-Finnish European, 0.084%; 2 homozygotes.

Submissions (16):

GeneDx
Classification: Likely pathogenic. Last evaluated: 2025-12-15. Review status: criteria provided, single submitter. Criteria: GeneDx Variant Classification Process June 2021. Collection method: clinical testing. Allele origin: germline. Affected: yes.
Comment: In silico analysis supports that this missense variant has a deleterious effect on protein structure/function; This variant is associated with the following publications: (PMID: 25326635, 30349989, 34023347, 32699352, 25051973, 34194004, 33726816, 37269902, 36135330, 37432431)

PreventionGenetics, part of Exact Sciences
Classification: Likely pathogenic for LARS1-related condition. Last evaluated: 2025-06-04. Review status: criteria provided, single submitter. Criteria: ACMG Guidelines, 2015. Collection method: clinical testing. Allele origin: germline.
Comment: The LARS1 c.1292T>A variant is predicted to result in the amino acid substitution p.Val431Asp. This variant has been reported in multiple unrelated individuals with infantile liver failure syndrome (Peroutka et al. 2019. PubMed ID: 30349989; Lenz et al. 2020. PubMed ID: 32699352; Hegarty et al. 2021. PubMed ID: 34023347). Although this variant was not examined directly, studies of patient derived fibroblasts, compound heterozygous for this variant and a splice variant (c.1503+3A>G), found decreased aminoacylation activity suggesting this variant impacts protein function (Kok et al. 2021. PubMed ID: 34194004). This variant is reported in 0.056% of alleles in individuals of European (Non-Finnish) descent in gnomAD. This variant is interpreted as likely pathogenic.

Women's Health and Genetics/Laboratory Corporation of America, LabCorp
Classification: Likely pathogenic for Acute infantile liver failure due to synthesis defect of mtDNA-encoded proteins. Last evaluated: 2025-05-16. Review status: criteria provided, single submitter. Criteria: LabCorp Variant Classification Summary - May 2015. Collection method: clinical testing. Allele origin: germline.
Comment: Variant summary: LARS1 c.1292T>A (p.Val431Asp) results in a non-conservative amino acid change in the encoded protein sequence. Algorithms developed to predict the effect of missense changes on protein structure and function are either unavailable or do not agree on the potential impact of this missense change. The variant was absent in 282514 control chromosomes. c.1292T>A has been observed in the presumed compound heterozygous state in multiple unrelated individual(s) affected with Liver Failure Acute Infantile, Type 1 (example, Sy_2022, Lenz_2020). These data indicate that the variant is likely to be associated with disease. To our knowledge, no experimental evidence demonstrating an impact on protein function has been reported, however enzymatic activity was noted to be reduced in patients carrying this variant (example, Lenz_2020). The following publications have been ascertained in the context of this evaluation (PMID: 34023347, 32699352, 30349989, 33726816, 36135330). ClinVar contains an entry for this variant (Variation ID: 431849). Based on the evidence outlined above, the variant was classified as likely pathogenic.

Blueprint Genetics
Classification: Pathogenic for LARS-related disorders. Last evaluated: 2024-09-24. Review status: criteria provided, single submitter. Criteria: ACMG Guidelines, 2015. Collection method: clinical testing. Allele origin: germline. Affected: yes. Observed: 5 variant alleles.

Labcorp Genetics (formerly Invitae), Labcorp
Classification: Likely pathogenic. Last evaluated: 2024-06-26. Review status: criteria provided, single submitter. Criteria: Invitae Variant Classification Sherloc (09022015). Collection method: clinical testing. Allele origin: germline.
Comment: This sequence change replaces valine, which is neutral and non-polar, with aspartic acid, which is acidic and polar, at codon 431 of the LARS protein (p.Val431Asp). This variant is present in population databases (rs150429680, gnomAD 0.06%). This missense change has been observed in individuals with acute infantile liver failure (PMID: 30349989, 32699352). ClinVar contains an entry for this variant (Variation ID: 431849). Advanced modeling of protein sequence and biophysical properties (such as structural, functional, and spatial information, amino acid conservation, physicochemical variation, residue mobility, and thermodynamic stability) has been performed at Invitae for this missense variant, however the output from this modeling did not meet the statistical confidence thresholds required to predict the impact of this variant on LARS protein function. In summary, the currently available evidence indicates that the variant is pathogenic, but additional data are needed to prove that conclusively. Therefore, this variant has been classified as Likely Pathogenic.

3billion
Classification: Likely pathogenic for Infantile liver failure syndrome 1. Last evaluated: 2023-09-06. Review status: criteria provided, single submitter. Criteria: ACMG Guidelines, 2015. Collection method: clinical testing. Allele origin: germline. Affected: yes.
Comment: The variant is observed at an extremely low frequency in the gnomAD v2.1.1 dataset (total allele frequency: 0.035%). Predicted Consequence/Location: Missense variant Functional studies provide moderate evidence of the variant having a damaging effect on the gene or gene product (PMID: 32699352, 34194004). In silico tool predictions suggest damaging effect of the variant on gene or gene product [3Cnet: 0.99 (>=0.6, sensitivity 0.72 and precision 0.9)]. Same nucleotide change resulting in same amino acid change has been previously reported to be associated with LARS1 related disorder (PMID: 30349989). Therefore, this variant is classified as Likely pathogenic according to the recommendation of ACMG/AMP guideline.

Clinical Genetics Laboratory, Skane University Hospital Lund
Classification: Pathogenic. Last evaluated: 2023-04-03. Review status: criteria provided, single submitter. Criteria: ACMG Guidelines, 2015. Collection method: clinical testing. Allele origin: germline. Affected: yes.

Daryl Scott Lab, Baylor College of Medicine
Classification: Uncertain significance for Infantile liver failure syndrome 1. Last evaluated: 2022-08-22. Review status: criteria provided, single submitter. Criteria: ACMG Guidelines, 2015. Collection method: clinical testing. Allele origin: paternal. Observed: 1 variant allele, 1 heterozygote.

Department of Pathology and Laboratory Medicine, Sinai Health System
Classification: Likely pathogenic for infantile liver failure syndrome 1. Last evaluated: 2022-08-05. Review status: criteria provided, single submitter. Criteria: ACMG Guidelines, 2015. Collection method: research. Allele origin: germline.

Victorian Clinical Genetics Services, Murdoch Childrens Research Institute
Classification: Pathogenic for Infantile liver failure syndrome 1. Last evaluated: 2022-06-24. Review status: criteria provided, single submitter. Criteria: ACMG Guidelines, 2015. Collection method: clinical testing. Allele origin: germline. Inheritance: Autosomal recessive inheritance. Affected: yes.
Comment: Based on the classification scheme VCGS_Germline_v1.3.4, this variant is classified as Pathogenic. Following criteria are met: 0102 - Loss of function is a known mechanism of disease in this gene and is associated with infantile liver failure syndrome 1 (MIM#615438). (I) 0106 - This gene is associated with autosomal recessive disease. (I) 0200 - Variant is predicted to result in a missense amino acid change from valine to aspartic acid. (I) 0251 - This variant is heterozygous. (I) 0304 - Variant is present in gnomAD (v2) <0.01 for a recessive condition (98 heterozygotes, 0 homozygotes). (SP) 0309 - An alternative amino acid change at the same position has been observed in gnomAD (v2) (1 heterozygote, 0 homozygotes). (I) 0502 - Missense variant with conflicting in silico predictions and uninformative conservation. (I) 0600 - Variant is located in the annotated LARS1 editing domain (PMID: 30349989, 25051973). (I) 0705 - No comparable missense variants have previous evidence for pathogenicity. (I) 0801 - This variant has strong previous evidence of pathogenicity in unrelated individuals. This variant has been observed as compound heterozgous in at least nine individuals with infantile liver failure syndrome 1 (MIM#615438) (ClinVar, PMIDs: 30349989, 34023347, 34194004, 32699352). (SP) 1001 - This variant has strong functional evidence supporting abnormal protein function. Studies on fibroblasts from patients with this variant have shown decreased LARS1 enzyme activity and decreased protein expression (PMIDs: 34194004, 32699352). (SP) 1101 - Very strong and specific phenotype match for this individual. (I) Legend: (SP) - Supporting pathogenic, (I) - Information, (SB) - Supporting benign

Centre for Inherited Metabolic Diseases, Karolinska University Hospital
Classification: Pathogenic for Infantile liver failure syndrome 1. Last evaluated: 2021-03-25. Review status: criteria provided, single submitter. Criteria: ACMG Guidelines, 2015. Collection method: clinical testing. Allele origin: germline. Inheritance: Autosomal recessive inheritance. Affected: yes. Observed: 1 compound heterozygote.

Athena Diagnostics
Classification: Uncertain significance. Last evaluated: 2020-05-08. Review status: criteria provided, single submitter. Criteria: Athena Diagnostics Criteria. Collection method: clinical testing. Allele origin: unknown.
Comment: This observation is not an independent occurrence and has been identified in the same individual by RCIGM, the other laboratory participating in the GEMINI study.

Revvity Omics, Revvity
Classification: Uncertain significance for Infantile liver failure syndrome 1. Last evaluated: 2019-10-31. Review status: criteria provided, single submitter. Criteria: ACMG Guidelines, 2015. Collection method: clinical testing. Allele origin: germline.

CeGaT Center for Human Genetics Tuebingen
Classification: Uncertain significance. Last evaluated: 2019-03-01. Review status: criteria provided, single submitter. Criteria: CeGaT Center For Human Genetics Tuebingen Variant Classification Criteria Version 2. Collection method: clinical testing. Allele origin: germline. Affected: yes. Observed: 1 variant allele.

Baylor Genetics
Classification: Uncertain significance for Infantile liver failure syndrome 1. Last evaluated: 2017-09-01. Review status: criteria provided, single submitter. Criteria: ACMG Guidelines, 2015. Collection method: clinical testing. Allele origin: germline. Inheritance: Autosomal recessive inheritance.
Comment: Likely pathogenicity based on finding it twice in our laboratory in trans with another variant in individuals with liver dysfunction, anemia, IUGR, heart defects. Heterozygotes would be expected to be asymptomatic carriers.

Rady Children's Institute for Genomic Medicine, Rady Children's Hospital San Diego
Classification: Likely pathogenic for INFANTILE LIVER FAILURE SYNDROME 1. Review status: criteria provided, single submitter. Criteria: ACMG Guidelines, 2015. Collection method: clinical testing. Allele origin: germline. Affected: yes.
Comment: This variant has been previously reported as a compound heterozygous change in patients with infantile liver failure syndrome 1 (PMID: 30349989, 32699352). Functional studies showed that the presence of the c.1292T>A (p.Val431Asp) variant, with another LARS pathogenic variant in trans, resulted in reduced protein levels (PMID: 32699352, 34194004). The c.1292T>A (p.Val431Asp) variant is present in the heterozygous state in the gnomAD population database at a frequency of 0.03% (98/282514), and is absent in the homozygous state. Based on the available evidence, the c.1292T>A (p.Val431Asp) variant is classified as Likely Pathogenic.

Literature cited by the submitters: PubMed 33726816 (cited by Women's Health and Genetics/Laboratory Corporation of America, LabCorp); PubMed 32699352 (cited by 4 submitters); PubMed 34023347 (cited by Women's Health and Genetics/Laboratory Corporation of America, LabCorp and Victorian Clinical Genetics Services, Murdoch Childrens Research Institute); PubMed 30349989 (cited by 4 submitters); PubMed 36135330 (cited by Women's Health and Genetics/Laboratory Corporation of America, LabCorp and Daryl Scott Lab, Baylor College of Medicine); PubMed 34194004 (cited by 3billion and Victorian Clinical Genetics Services, Murdoch Childrens Research Institute); PubMed 25051973 (cited by Victorian Clinical Genetics Services, Murdoch Childrens Research Institute); PubMed 25326635 (cited by Baylor Genetics).